The following is an entry in ClinVar:

ClinVar aggregate classification (germline): Uncertain significance (1 of 4 stars; one submission).

Conditions:
Neurofibromatosis, type 1 (NF1). Also called: VON RECKLINGHAUSEN DISEASE; Peripheral type neurofibromatosis; Neurofibromatosis, type I; NEUROFIBROMATOSIS, TYPE I, SOMATIC. Identifiers: Orphanet 636, MedGen C0027831, MONDO:0018975, OMIM 162200. Disease mechanism: loss of function.

Submission:

Labcorp Genetics (formerly Invitae), Labcorp
Classification: Uncertain significance for Neurofibromatosis, type 1. Last evaluated: 2015-05-28. Review status: criteria provided, single submitter. Criteria: Invitae Variant Classification Sherloc (09022015). Collection method: clinical testing. Allele origin: germline.
Comment: This sequence change replaces arginine with proline at codon 897 of the NF1 protein (p.Arg897Pro). The arginine residue is moderately conserved and there is a moderate physicochemical difference between arginine and proline. Algorithms developed to predict the effect of missense changes on protein structure and function do not agree on the potential impact of this missense change (SIFT: "Tolerated"; PolyPhen-2: "Probably Damaging"; Align-GVGD: "Class C0"). This variant has not been published in the literature and is not present in population databases. In summary, this is a novel missense change with uncertain impact on protein function. It has been classified as a Variant of Uncertain Significance.

NM_001042492.3(NF1):c.2690G>C (p.Arg897Pro)

Gene: NF1 (neurofibromin 1; plus strand). Cytogenetic location: 17q11.2.
Variant type: single nucleotide variant.
Coding change: c.2690G>C on transcript NM_001042492.3 (MANE Select); coding-DNA position 2690, G replaced by C.
Protein change: p.Arg897Pro; replaces arginine 897 with proline.
Molecular consequence: missense variant.
Genome position (GRCh38, 1-based): chr17:31,229,305, G>C. VCF-style: chr17-31229305-G-C. GRCh37 (hg19) VCF-style: chr17-29556323-G-C.
Other names: c.2690G>C, p.Arg897Pro (NM_000267.4); short protein forms R897P.
Identifiers: ClinVar variation 216399 (VCV000216399.3), dbSNP rs863224658, ClinGen allele CA336675.